The following is an entry in ClinVar:

NM_139159.5(DPP9):c.1258G>C (p.Glu420Gln)

Gene: DPP9 (dipeptidyl peptidase 9; minus strand). Cytogenetic location: 19p13.3.
Variant type: single nucleotide variant.
Coding change: c.1258G>C on transcript NM_139159.5 (MANE Select); coding-DNA position 1258, G replaced by C.
Protein change: p.Glu420Gln; replaces glutamic acid 420 with glutamine.
Molecular consequence: missense variant. On other transcripts: non-coding transcript variant (9), intron variant (5).
Genome position (GRCh38, 1-based): chr19:4,695,473, C>G on the plus strand (G>C on the coding strand, the complement: DPP9 is on the minus strand). VCF-style: chr19-4695473-C-G. GRCh37 (hg19) VCF-style: chr19-4695485-C-G.
Other names: c.1225G>C, p.Glu409Gln (NM_001384619.1); c.1258G>C, p.Glu420Gln (NM_001384620.1, NM_001384621.1, NM_001384622.1 and 13 more transcripts); c.1171G>C, p.Glu391Gln (NM_001384623.1, NM_001384624.1, NM_001384625.1 and 4 more transcripts); c.1114-650G>C (NM_001384631.1, NM_001384635.1); c.1176-650G>C (NM_001384638.1, NM_001384637.1, NM_001384636.1); short protein forms E391Q, E409Q, E420Q.
Identifiers: ClinVar variation 3024747 (VCV003024747.22), dbSNP rs148018996, ClinGen allele CA9104117.

ClinVar aggregate classification (germline): Likely benign (1 of 4 stars; one submission).

Allele frequency attached by ClinVar (database versions not stated): ESP Exome Variant Server 0.00016; gnomAD 0.00061; TOPMed 0.00069; 1000 Genomes Project 30x 0.00156; 1000 Genomes Project 0.00200; ExAC 0.00242.
gnomAD v4.1: 805 of 1,582,304 alleles (0.051%); highest among the groups gnomAD compares: East Asian, 1.3%; 4 homozygotes.

Submission:

CeGaT Center for Human Genetics Tuebingen
Classification: Likely benign. Last evaluated: 2024-10-01. Review status: criteria provided, single submitter. Criteria: CeGaT Center For Human Genetics Tuebingen Variant Classification Criteria Version 2. Collection method: clinical testing. Allele origin: germline. Affected: yes. Observed: 2 variant alleles.
Comment: DPP9: BP4, BS1